The following is an entry in ClinVar:

NM_024649.5(BBS1):c.592-6C>A

Gene: BBS1 (Bardet-Biedl syndrome 1; plus strand). Cytogenetic location: 11q13.2.
Variant type: single nucleotide variant.
Coding change: c.592-6C>A on transcript NM_024649.5 (MANE Select); 6 bases into the intron before coding-DNA position 592, C replaced by A.
Molecular consequence: intron variant.
Genome position (GRCh38, 1-based): chr11:66,519,611, C>A. VCF-style: chr11-66519611-C-A. GRCh37 (hg19) VCF-style: chr11-66287082-C-A.
Other names: c.592-6C>A (NM_024649.4).
Identifiers: ClinVar variation 2068996 (VCV002068996.5), dbSNP rs1462048534, ClinGen allele CA599876041.

ClinVar aggregate classification (germline): Likely benign. Review status: criteria provided, single submitter (1 of 4 stars). 2 submissions from 2 submitters: Likely benign (1). 1 of the submissions does not count toward it. Last evaluated 2023-10-22.

Conditions:
Bardet-Biedl syndrome (BBS). Identifiers: Orphanet 110, MedGen C0752166, MONDO:0015229.
BBS1-related disorder. Also called: BBS1-related condition.

Allele frequency attached by ClinVar (database versions not stated): gnomAD exomes below 0.00001; gnomAD 0.00001; TOPMed 0.00001.
gnomAD v4.1: 4 of 1,613,660 alleles (0.00025%); highest among the groups gnomAD compares: African/African-American, 0.0027%; no homozygotes.

Submissions (2):

Labcorp Genetics (formerly Invitae), Labcorp
Classification: Likely benign for Bardet-Biedl syndrome. Last evaluated: 2023-10-22. Review status: criteria provided, single submitter. Criteria: Invitae Variant Classification Sherloc (09022015). Collection method: clinical testing. Allele origin: germline.

PreventionGenetics, part of Exact Sciences
Classification: Likely benign for BBS1-related condition. Last evaluated: 2024-08-28. Review status: no assertion criteria provided. Collection method: clinical testing. Allele origin: germline. Not counted in ClinVar's aggregate classification.
Comment: This variant is classified as likely benign based on ACMG/AMP sequence variant interpretation guidelines (Richards et al. 2015 PMID: 25741868, with internal and published modifications).